The following is an entry in ClinVar:

NM_017950.4(CCDC40):c.2156G>A (p.Arg719His)

Gene: CCDC40 (coiled-coil domain 40 molecular ruler complex subunit; plus strand). Cytogenetic location: 17q25.3.
Variant type: single nucleotide variant.
Coding change: c.2156G>A on transcript NM_017950.4 (MANE Select); coding-DNA position 2156, G replaced by A.
Protein change: p.Arg719His; replaces arginine 719 with histidine.
Molecular consequence: missense variant.
Genome position (GRCh38, 1-based): chr17:80,084,909, G>A. VCF-style: chr17-80084909-G-A. GRCh37 (hg19) VCF-style: chr17-78058708-G-A.
Other names: c.2156G>A, p.Arg719His (NM_001243342.2); short protein forms R719H.
Identifiers: ClinVar variation 937342 (VCV000937342.6), dbSNP rs572440259, ClinGen allele CA8814117.

ClinVar aggregate classification (germline): Conflicting classifications of pathogenicity. Review status: criteria provided, conflicting classifications (1 of 4 stars). 2 submissions from 2 submitters: Uncertain significance (1); Likely benign (1). Last evaluated 2024-04-15.

Conditions:
Primary ciliary dyskinesia. Also called: Ciliary dyskinesia. Identifiers: Orphanet 244, MedGen C0008780, MONDO:0016575, HP:0012265.

Allele frequency attached by ClinVar (database versions not stated): gnomAD exomes 0.00003 and 0.00014; TOPMed 0.00010; gnomAD 0.00011 and 0.00013; ExAC 0.00013; 1000 Genomes Project 0.00020; 1000 Genomes Project 30x 0.00031.
gnomAD v4.1: 65 of 1,614,050 alleles (0.004%); highest among the groups gnomAD compares: Admixed American, 0.052%; no homozygotes.

Submissions (2):

Labcorp Genetics (formerly Invitae), Labcorp
Classification: Uncertain significance for Primary ciliary dyskinesia. Last evaluated: 2024-04-15. Review status: criteria provided, single submitter. Criteria: Invitae Variant Classification Sherloc (09022015). Collection method: clinical testing. Allele origin: germline.
Comment: This sequence change replaces arginine, which is basic and polar, with histidine, which is basic and polar, at codon 719 of the CCDC40 protein (p.Arg719His). This variant is present in population databases (rs572440259, gnomAD 0.08%). This variant has not been reported in the literature in individuals affected with CCDC40-related conditions. ClinVar contains an entry for this variant (Variation ID: 937342). Advanced modeling of protein sequence and biophysical properties (such as structural, functional, and spatial information, amino acid conservation, physicochemical variation, residue mobility, and thermodynamic stability) performed at Invitae indicates that this missense variant is not expected to disrupt CCDC40 protein function with a negative predictive value of 80%. In summary, the available evidence is currently insufficient to determine the role of this variant in disease. Therefore, it has been classified as a Variant of Uncertain Significance.

Ambry Genetics
Classification: Likely benign for Primary ciliary dyskinesia. Last evaluated: 2023-01-10. Review status: criteria provided, single submitter. Criteria: Ambry Variant Classification Scheme 2023. Collection method: clinical testing. Allele origin: germline.